The following is an entry in ClinVar:

ClinVar aggregate classification (germline): Conflicting classifications of pathogenicity. Review status: criteria provided, conflicting classifications (1 of 4 stars). 6 submissions from 6 submitters: Uncertain significance (1); Likely benign (5). Last evaluated 2026-04-29.

Conditions:
LMNA-related disorder. Also called: LMNA-related condition; LMNA-related disease; LMNA-related disorders. Identifiers: MedGen CN380145.
Cardiovascular phenotype. Identifiers: MedGen CN230736.
Charcot-Marie-Tooth disease type 2. Also called: Charcot-Marie-Tooth type 2. Identifiers: Orphanet 64746, MedGen C0270914, MONDO:0018993.
Cardiomyopathy (CMYO). Also called: Cardiomyopathies. Identifiers: Orphanet 167848, MedGen C0878544, MONDO:0004994, HP:0001638. Inheritance: Various modes of inheritance.
Primary dilated cardiomyopathy (DCM). Also called: Dilated Cardiomyopathy. Identifiers: Orphanet 217604, MedGen C0007193, MeSH D002311, MONDO:0005021, HP:0001644. Inheritance: Various modes of inheritance.

Allele frequency attached by ClinVar (database versions not stated): ExAC 0.00001; gnomAD exomes 0.00001; TOPMed 0.00005.
gnomAD v4.1: 23 of 1,614,034 alleles (0.0014%); highest among the groups gnomAD compares: Middle Eastern, 0.016%; 1 homozygote.

Submissions (6):

Ambry Genetics
Classification: Likely benign for Cardiovascular phenotype. Last evaluated: 2026-04-29. Review status: criteria provided, single submitter. Criteria: Ambry Variant Classification Scheme 2023. Collection method: clinical testing. Allele origin: germline.

Labcorp Genetics (formerly Invitae), Labcorp
Classification: Likely benign for Charcot-Marie-Tooth disease type 2. Last evaluated: 2026-01-27. Review status: criteria provided, single submitter. Criteria: Invitae Variant Classification Sherloc (09022015). Collection method: clinical testing. Allele origin: germline.

PreventionGenetics, part of Exact Sciences
Classification: Likely benign for LMNA-related condition. Last evaluated: 2026-01-27. Review status: criteria provided, single submitter. Criteria: ACMG Guidelines, 2015. Collection method: clinical testing. Allele origin: germline.
Comment: This variant is classified as likely benign based on ACMG/AMP sequence variant interpretation guidelines (Richards et al. 2015 PMID: 25741868, with internal and published modifications).

All of Us Research Program, National Institutes of Health
Classification: Likely benign for Primary dilated cardiomyopathy. Last evaluated: 2024-01-11. Review status: criteria provided, single submitter. Criteria: ACMG Guidelines, 2015. Collection method: clinical testing. Allele origin: germline. Inheritance: Autosomal dominant inheritance. Observed: 6 variant alleles, 6 heterozygotes.
Comment: This study involves interpretation of variants in research participants for the purpose of population health screening. Participant phenotype was not available at the time of variant classification. Additional details can be found in publication PMID: 35346344, PMCID: PMC8962531

Color Diagnostics, LLC DBA Color Health
Classification: Likely benign for Cardiomyopathy. Last evaluated: 2018-11-16. Review status: criteria provided, single submitter. Criteria: ACMG Guidelines, 2015. Collection method: clinical testing. Allele origin: germline.

Laboratory for Molecular Medicine, Mass General Brigham Personalized Medicine
Classification: Uncertain significance. Last evaluated: 2014-02-17. Review status: criteria provided, single submitter. Criteria: LMM Criteria. Collection method: clinical testing. Allele origin: germline. Observed: 1 variant allele.
Comment: The 640-11A>C variant in LMNA has not been previously reported in individuals wi th cardiomyopathy or in large population studies. This variant is located in the 3' splice region. Computational tools do not suggest an impact to splicing. How ever, this information is not predictive enough to rule out pathogenicity. Addit ional information is needed to fully assess the clinical significance of this va riant.

NM_170707.4(LMNA):c.640-11A>C

Gene: LMNA (lamin A/C; plus strand). Cytogenetic location: 1q22.
Variant type: single nucleotide variant.
Coding change: c.640-11A>C on transcript NM_170707.4 (MANE Select); 11 bases into the intron before coding-DNA position 640, A replaced by C.
Molecular consequence: intron variant.
Genome position (GRCh38, 1-based): chr1:156,134,794, A>C. VCF-style: chr1-156134794-A-C. GRCh37 (hg19) VCF-style: chr1-156104585-A-C.
Other names: c.640-11A>C (NM_001282625.2, NM_001282626.2, NM_170708.4 and 2 more transcripts); c.304-11A>C (NM_001257374.3); c.397-11A>C (NM_001282624.2).
Identifiers: ClinVar variation 179533 (VCV000179533.16), dbSNP rs727504932, ClinGen allele CA018353.
Genomic context (GRCh38, chr1:156,134,794, plus strand): 5'-GCCCCTGGGTCTTGGCCTCCCAGGAACTAATTCTGATTTTGGTTTCTGTGTCCTTCCTCC[A>C]ACCCTTCCAGGAGCTGCGTGAGACCAAGCGCCGTCATGAGACCCGACTGGTGGAGATTGA-3'